The following is an entry in ClinVar:

ClinVar aggregate classification (germline): Pathogenic/Likely pathogenic. Review status: criteria provided, multiple submitters, no conflicts (2 of 4 stars). 8 submissions from 7 submitters: Pathogenic (3); Likely pathogenic (1). 4 of the submissions do not count toward it. Last evaluated 2026-01-21.

Conditions:
ABCA4-related disorder. Also called: ABCA4-related condition; ABCA4-related disorders. Identifiers: MedGen CN239167.
Cone-rod dystrophy 3 (CORD3). Identifiers: Orphanet 1872, MedGen C1858806, MONDO:0011395, OMIM 604116.
Age related macular degeneration 2. Also called: MACULAR DEGENERATION, SENILE; MACULOPATHY, AGE-RELATED, 2; MACULOPATHY, AGE-RELATED. Identifiers: MedGen C3495438, MONDO:0007932, OMIM 153800.
Retinitis pigmentosa 19 (RP19). Also called: ABCA4-Related Retinitis Pigmentosa. Identifiers: Orphanet 791, MedGen C1866422, MONDO:0011137, OMIM 601718.
Severe early-childhood-onset retinal dystrophy (STGD1). Also called: MACULAR DYSTROPHY WITH FLECKS, TYPE 1; STGD; Stargardt disease 1; Stargardt macular dystrophy; Juvenile onset macular degeneration. Identifiers: Orphanet 364055, Orphanet 827, MedGen C1855465, MeSH D000080362, MONDO:0009549, OMIM 248200.
Retinal dystrophy. Also called: Inherited retinal dystrophy. Identifiers: Orphanet 71862, MedGen C0854723, MeSH D058499, MONDO:0019118, HP:0000556.
Retinitis pigmentosa (RP). Identifiers: Orphanet 791, MedGen C0035334, MeSH D012174, MONDO:0019200, OMIM 268000. Inheritance: Autosomal dominant, autosomal recessive and X linked inheritance.

Allele frequency attached by ClinVar (database versions not stated): TOPMed 0.00001.
gnomAD v4.1: 20 of 1,614,002 alleles (0.0012%); highest among the groups gnomAD compares: Non-Finnish European, 0.0014%; no homozygotes.

Submissions (8):

Labcorp Genetics (formerly Invitae), Labcorp
Classification: Pathogenic. Last evaluated: 2026-01-21. Review status: criteria provided, single submitter. Criteria: Invitae Variant Classification Sherloc (09022015). Collection method: clinical testing. Allele origin: germline.
Comment: This sequence change replaces threonine, which is neutral and polar, with asparagine, which is neutral and polar, at codon 972 of the ABCA4 protein (p.Thr972Asn). This variant is present in population databases (rs61749451, gnomAD 0.007%). This missense change has been observed in individual(s) with Stargardt disease or retinitis pigmentosa (PMID: 28041643, 28559085, 29925512). In at least one individual the data is consistent with being in trans (on the opposite chromosome) from a pathogenic variant. ClinVar contains an entry for this variant (Variation ID: 99174). Invitae Evidence Modeling of protein sequence and biophysical properties (such as structural, functional, and spatial information, amino acid conservation, physicochemical variation, residue mobility, and thermodynamic stability) indicates that this missense variant is expected to disrupt ABCA4 protein function with a positive predictive value of 95%. For these reasons, this variant has been classified as Pathogenic.

Blueprint Genetics
Classification: Pathogenic for ABCA4-related disorders. Last evaluated: 2021-11-24. Review status: criteria provided, single submitter. Criteria: ACMG Guidelines, 2015. Collection method: clinical testing. Allele origin: germline. Affected: yes. Observed: 5 variant alleles.

Fulgent Genetics
Classification: Pathogenic for Age related macular degeneration 2; Severe early-childhood-onset retinal dystrophy; Retinitis pigmentosa 19; Cone-rod dystrophy 3. Last evaluated: 2021-09-24. Review status: criteria provided, single submitter. Criteria: ACMG Guidelines, 2015. Collection method: clinical testing. Allele origin: unknown.

Broad Center for Mendelian Genomics, Broad Institute of MIT and Harvard
Classification: Likely pathogenic for Retinitis pigmentosa. Last evaluated: 2021-04-01. Review status: criteria provided, single submitter. Criteria: ACMG Guidelines, 2015. Collection method: curation. Allele origin: germline. Inheritance: Autosomal recessive inheritance. Affected: yes.
Comment: Through a review of available evidence we were able to apply the following criteria: PM1, PM2, PP1, PP3. Based on this evidence we have classified this variant as Likely Pathogenic. If you have any questions about the classification please reach out to the Pierce Lab.

PreventionGenetics, part of Exact Sciences
Classification: Likely pathogenic for ABCA4-related condition. Last evaluated: 2024-08-20. Review status: no assertion criteria provided. Collection method: clinical testing. Allele origin: germline. Not counted in ClinVar's aggregate classification.
Comment: The ABCA4 c.2915C>A variant is predicted to result in the amino acid substitution p.Thr972Asn. This variant has been observed in individuals with Stargardt disease or ABCA4-related retinopathy (Bertelsen et al. 2014. PubMed ID: 24713488; Table S2; Carss et al. 2016. PubMed ID: 28041643; Areblom et al. 2023. PubMed ID: 37510321). It has been proposed to be a mild-to-moderate disease allele, in the compound heterozygous state (Table S2A, Cornelis et al. 2022. PubMed ID: 35120629). This variant is reported in 0.0070% of alleles in individuals of European (Non-Finnish) descent in gnomAD. This variant is interpreted as likely pathogenic.

NIHR Bioresource Rare Diseases, University of Cambridge
Classification: Likely pathogenic for Retinitis pigmentosa. Last evaluated: 2015-01-01. Review status: no assertion criteria provided. Collection method: research. Allele origin: unknown. Affected: yes. Observed: 1 variant allele. Not counted in ClinVar's aggregate classification.

NIHR Bioresource Rare Diseases, University of Cambridge
Classification: Likely pathogenic for Retinal dystrophy. Last evaluated: 2015-01-01. Review status: no assertion criteria provided. Collection method: research. Allele origin: unknown. Affected: yes. Observed: 1 variant allele. Not counted in ClinVar's aggregate classification.

Retina International
No classification provided. Review status: no classification provided. Collection method: not provided. Allele origin: not provided. Not counted in ClinVar's aggregate classification.

Literature cited by the submitters: PubMed 28041643 (cited by Labcorp Genetics (formerly Invitae), Labcorp and NIHR Bioresource Rare Diseases, University of Cambridge); PubMed 28559085 (cited by Labcorp Genetics (formerly Invitae), Labcorp and Broad Center for Mendelian Genomics, Broad Institute of MIT and Harvard); PubMed 29925512 (cited by Labcorp Genetics (formerly Invitae), Labcorp); PubMed 34906470 (cited by Broad Center for Mendelian Genomics, Broad Institute of MIT and Harvard); PubMed 11594993 (cited by NIHR Bioresource Rare Diseases, University of Cambridge).

NM_000350.3(ABCA4):c.2915C>A (p.Thr972Asn)

Gene: ABCA4 (ATP binding cassette subfamily A member 4; minus strand). Cytogenetic location: 1p22.1.
Variant type: single nucleotide variant.
Coding change: c.2915C>A on transcript NM_000350.3 (MANE Select); coding-DNA position 2915, C replaced by A.
Protein change: p.Thr972Asn; replaces threonine 972 with asparagine.
Molecular consequence: missense variant.
Genome position (GRCh38, 1-based): chr1:94,046,922, G>T on the plus strand (C>A on the coding strand, the complement: ABCA4 is on the minus strand). VCF-style: chr1-94046922-G-T. GRCh37 (hg19) VCF-style: chr1-94512478-G-T.
Other names: c.2693C>A, p.Thr898Asn (NM_001425324.1); short protein forms T972N, T898N.
Identifiers: ClinVar variation 99174 (VCV000099174.16), dbSNP rs61749451, ClinGen allele CA227051.